The following is an entry in ClinVar:

NM_130384.3(ATRIP):c.1796C>T (p.Pro599Leu)

Genes: ATRIP (ATR interacting protein; plus strand), ATRIP-TREX1 (ATRIP-TREX1 readthrough; plus strand). Cytogenetic location: 3p21.31.
Variant type: single nucleotide variant.
Coding change: c.1796C>T on transcript NM_130384.3 (MANE Select); coding-DNA position 1796, C replaced by T.
Protein change: p.Pro599Leu; replaces proline 599 with leucine.
Molecular consequence: missense variant. On other transcripts: non-coding transcript variant (1).
Genome position (GRCh38, 1-based): chr3:48,463,795, C>T. VCF-style: chr3-48463795-C-T. GRCh37 (hg19) VCF-style: chr3-48505194-C-T.
Other names: c.1415C>T, p.Pro472Leu (NM_001271022.2); c.1517C>T, p.Pro506Leu (NM_001271023.2); c.1796C>T, p.Pro599Leu (NM_032166.4); short protein forms P506L, P472L, P599L.
Identifiers: ClinVar variation 3976096 (VCV003976096.1).

ClinVar aggregate classification (germline): Uncertain significance (1 of 4 stars; one submission).

Submission:

Ambry Genetics
Classification: Uncertain significance. Last evaluated: 2025-04-12. Review status: criteria provided, single submitter. Criteria: Ambry Variant Classification Scheme 2023. Collection method: clinical testing. Allele origin: germline.
Comment: The p.P599L variant (also known as c.1796C>T), located in coding exon 9 of the ATRIP gene, results from a C to T substitution at nucleotide position 1796. The proline at codon 599 is replaced by leucine, an amino acid with similar properties. This amino acid position is conserved. In addition, this alteration is predicted to be tolerated by in silico analysis. Based on the available evidence, the clinical significance of this variant remains unclear.